The following is an entry in ClinVar:

NM_000551.4(VHL):c.*3097G>A

Genes: VHL (von Hippel-Lindau tumor suppressor; plus strand), LOC107303340 (3p25 von Hippel-Lindau tumor suppressor, E3 ubiquitin protein ligase Alu-mediated recombination region; plus strand). Cytogenetic location: 3p25.3.
Variant type: single nucleotide variant.
Coding change: c.*3097G>A on transcript NM_000551.4 (MANE Select); 3097 bases downstream of the stop codon, G replaced by A.
Molecular consequence: 3 prime UTR variant.
Genome position (GRCh38, 1-based): chr3:10,153,062, G>A. VCF-style: chr3-10153062-G-A. GRCh37 (hg19) VCF-style: chr3-10194746-G-A.
Other names: c.*3293G>A (NM_001354723.2); c.*3097G>A (NM_198156.3).
Identifiers: ClinVar variation 900769 (VCV000900769.4), dbSNP rs149416955, ClinGen allele CA70054944.

ClinVar aggregate classification (germline): Benign (1 of 4 stars; one submission).

Conditions:
Von Hippel-Lindau syndrome (VHLS). Also called: Von Hippel-Lindau; VHL syndrome; von Hippel–Lindau syndrome. Identifiers: Orphanet 892, MedGen C0019562, MONDO:0008667, OMIM 193300. Disease mechanism: loss of function.

Allele frequency attached by ClinVar (database versions not stated): 1000 Genomes Project 30x 0.00375; 1000 Genomes Project 0.00399; TOPMed 0.00449.
gnomAD v4.1: 564 of 152,158 alleles (0.37%); highest among the groups gnomAD compares: African/African-American, 1.3%; 3 homozygotes.

Submission:

Illumina Laboratory Services, Illumina
Classification: Benign for Von Hippel-Lindau syndrome. Last evaluated: 2018-01-12. Review status: criteria provided, single submitter. Criteria: ICSL Variant Classification Criteria 13 December 2019. Collection method: clinical testing. Allele origin: germline.
Comment: This variant was observed in the ICSL laboratory as part of a predisposition screen in an ostensibly healthy population. It had not been previously curated by ICSL or reported in the Human Gene Mutation Database (HGMD: prior to June 1st, 2018), and was therefore a candidate for classification through an automated scoring system. Utilizing variant allele frequency, disease prevalence and penetrance estimates, and inheritance mode, an automated score was calculated to assess if this variant is too frequent to cause the disease. Based on the score and internal cut-off values, a variant classified as benign is not then subjected to further curation. The score for this variant resulted in a classification of benign for this disease.